The following is an entry in ClinVar:

ClinVar aggregate classification (germline): Pathogenic (1 of 4 stars; one submission).

Conditions:
Hypercholesterolemia, autosomal dominant, type B (FHCL2). Also called: APOB-Related Familial Hypercholesterolemia, Autosomal Dominant; Familial Hypercholesterolemia Type B; APOLIPOPROTEIN B-100, FAMILIAL DEFECTIVE; APOLIPOPROTEIN B-100, FAMILIAL LIGAND-DEFECTIVE; HYPERCHOLESTEROLEMIA, FAMILIAL, DUE TO LIGAND-DEFECTIVE APOLIPOPROTEIN B; Hyperlipoproteinemia Type IIb. Identifiers: MedGen C1704417, MONDO:0007751, OMIM 144010.
Familial hypobetalipoproteinemia 1. Also called: Hypobetalipoproteinemia, normotriglyceridemic; Acanthocytosis with hypobetalipoproteinemia; APOB-Related Familial Hypobetalipoproteinemia. Identifiers: MedGen C4551990, MONDO:0014252, OMIM 615558.

Submission:

Labcorp Genetics (formerly Invitae), Labcorp
Classification: Pathogenic for Familial hypobetalipoproteinemia 1; Hypercholesterolemia, autosomal dominant, type B. Last evaluated: 2023-10-22. Review status: criteria provided, single submitter. Criteria: Invitae Variant Classification Sherloc (09022015). Collection method: clinical testing. Allele origin: germline.
Comment: This sequence change creates a premature translational stop signal (p.Thr3526Asnfs*5) in the APOB gene. It is expected to result in an absent or disrupted protein product. Loss-of-function variants in APOB are known to be pathogenic (PMID: 20032471). This variant is not present in population databases (gnomAD no frequency). This variant has not been reported in the literature in individuals affected with APOB-related conditions. For these reasons, this variant has been classified as Pathogenic.

Literature cited by the submitters: PubMed 20032471.

NM_000384.3(APOB):c.10577del (p.Thr3526fs)

Gene: APOB (apolipoprotein B; minus strand). Cytogenetic location: 2p24.1.
Variant type: Deletion.
Coding change: c.10577del on transcript NM_000384.3 (MANE Select); coding-DNA position 10577, one base deleted (C; older notation c.10577delC).
Protein change: p.Thr3526fs; shifts the reading frame from threonine 3526.
Molecular consequence: frameshift variant.
Genome position (GRCh38, 1-based): chr2:21,006,291, G deleted on the plus strand (C on the coding strand, the reverse complement: APOB is on the minus strand). VCF-style (leftmost placement, unchanged base first): chr2-21006290-TG-T. GRCh37 (hg19) VCF-style: chr2-21229162-TG-T.
Other names: short protein forms T3526fs.
Identifiers: ClinVar variation 2953191 (VCV002953191.3), dbSNP rs2465359220, ClinGen allele CA2740092730.